The following is an entry in ClinVar:

ClinVar aggregate classification (germline): Pathogenic (1 of 4 stars; one submission).

Conditions:
Congenital isolated adrenocorticotropic hormone deficiency. Also called: ACTH DEFICIENCY, ISOLATED; Adrenocorticotropic hormone deficiency; ACTH deficiency. Identifiers: Orphanet 199296, MedGen C0342388, MONDO:0008720, OMIM 201400, HP:0011748.

Submission:

3billion
Classification: Pathogenic for Congenital isolated adrenocorticotropic hormone deficiency. Last evaluated: 2022-05-22. Review status: criteria provided, single submitter. Criteria: ACMG Guidelines, 2015. Collection method: clinical testing. Allele origin: germline. Affected: yes. Observed: 1 homozygote.
Comment: The variant is not observed in the gnomAD v2.1.1 dataset. Canonical splice site: predicted to alter splicing and result in a loss or disruption of normal protein function. Multiple pathogenic loss-of-function variants are reported downstream of the variant. The patient's phenotype is considered compatible with TBX19 related disorder. Therefore, this variant is classified as pathogenic according to the recommendation of ACMG/AMP guideline.

NM_005149.3(TBX19):c.665+1G>T

Gene: TBX19 (T-box transcription factor 19; plus strand). Cytogenetic location: 1q24.2.
Variant type: single nucleotide variant.
Coding change: c.665+1G>T on transcript NM_005149.3 (MANE Select); the canonical splice donor site of the intron after coding-DNA position 665, G replaced by T.
Molecular consequence: splice donor variant.
Genome position (GRCh38, 1-based): chr1:168,297,786, G>T. VCF-style: chr1-168297786-G-T. GRCh37 (hg19) VCF-style: chr1-168267024-G-T.
Identifiers: ClinVar variation 1687306 (VCV001687306.1), dbSNP rs1649150256, ClinGen allele CA343195088.